The following is an entry in ClinVar:

ClinVar aggregate classification (germline): Uncertain significance. Review status: criteria provided, multiple submitters, no conflicts (2 of 4 stars). 2 submissions from 2 submitters: Uncertain significance (2). Last evaluated 2025-07-14.

Submissions (2):

GeneDx
Classification: Uncertain significance. Last evaluated: 2025-07-14. Review status: criteria provided, single submitter. Criteria: GeneDx Variant Classification Process June 2021. Collection method: clinical testing. Allele origin: germline. Affected: yes.
Comment: Not observed at significant frequency in large population cohorts (gnomAD); In silico analysis suggests that this missense variant does not alter protein structure/function; Has not been previously published as pathogenic or benign to our knowledge

Labcorp Genetics (formerly Invitae), Labcorp
Classification: Uncertain significance. Last evaluated: 2025-06-23. Review status: criteria provided, single submitter. Criteria: Invitae Variant Classification Sherloc (09022015). Collection method: clinical testing. Allele origin: germline.
Comment: This sequence change replaces isoleucine, which is neutral and non-polar, with valine, which is neutral and non-polar, at codon 1868 of the MYO7A protein (p.Ile1868Val). This variant is not present in population databases (gnomAD no frequency). This variant has not been reported in the literature in individuals affected with MYO7A-related conditions. ClinVar contains an entry for this variant (Variation ID: 1961114). Invitae Evidence Modeling of protein sequence and biophysical properties (such as structural, functional, and spatial information, amino acid conservation, physicochemical variation, residue mobility, and thermodynamic stability) indicates that this missense variant is not expected to disrupt MYO7A protein function with a negative predictive value of 95%. In summary, the available evidence is currently insufficient to determine the role of this variant in disease. Therefore, it has been classified as a Variant of Uncertain Significance.

NM_000260.4(MYO7A):c.5602A>G (p.Ile1868Val)

Gene: MYO7A (myosin VIIA; plus strand). Cytogenetic location: 11q13.5.
Variant type: single nucleotide variant.
Coding change: c.5602A>G on transcript NM_000260.4 (MANE Select); coding-DNA position 5602, A replaced by G.
Protein change: p.Ile1868Val; replaces isoleucine 1868 with valine.
Molecular consequence: missense variant.
Genome position (GRCh38, 1-based): chr11:77,205,583, A>G. VCF-style: chr11-77205583-A-G. GRCh37 (hg19) VCF-style: chr11-76916628-A-G.
Other names: c.5488A>G, p.Ile1830Val (NM_001127180.2); c.5455A>G, p.Ile1819Val (NM_001369365.1); c.5602A>G (NM_000260.3); short protein forms I1819V, I1868V, I1830V.
Identifiers: ClinVar variation 1961114 (VCV001961114.5), dbSNP rs1957392789, ClinGen allele CA381953086.
Genomic context (GRCh38, chr11:77,205,583, plus strand): 5'-AACATCCTCCTGCCCCACGTGCAGCGCTTCCTGCAGTCCCGAAAGCACTGCCCACTCGCC[A>G]TCGACTGCCTGCAACGGCTCCAGAAAGCCCTGAGGTACAGCGGCCACCAGGGGCAGGGAC-3'
Protein context (NP_000251.3, residues 1858-1878): LQSRKHCPLA[Ile1868Val]DCLQRLQKAL